The following is an entry in ClinVar:

NM_004408.4(DNM1):c.766C>T (p.Arg256Ter)

Gene: DNM1 (dynamin 1; plus strand). Cytogenetic location: 9q34.11.
Variant type: single nucleotide variant.
Coding change: c.766C>T on transcript NM_004408.4 (MANE Select); coding-DNA position 766, C replaced by T.
Protein change: p.Arg256Ter; replaces arginine 256 with a stop codon.
Molecular consequence: nonsense.
Genome position (GRCh38, 1-based): chr9:128,220,258, C>T. VCF-style: chr9-128220258-C-T. GRCh37 (hg19) VCF-style: chr9-130982537-C-T.
Other names: c.766C>T, p.Arg256Ter (NM_001005336.3, NM_001288737.2, NM_001288738.2 and 2 more transcripts); short protein forms R256*.
Identifiers: ClinVar variation 833818 (VCV000833818.11), dbSNP rs1456731322, ClinGen allele CA375013295.

ClinVar aggregate classification (germline): Conflicting classifications of pathogenicity. Review status: criteria provided, conflicting classifications (1 of 4 stars). 2 submissions from 2 submitters: Likely pathogenic (1); Likely benign (1). Last evaluated 2024-11-23.

Conditions:
Developmental and epileptic encephalopathy, 31A. Also called: Epileptic encephalopathy, early infantile, 31; Developmental and epileptic encephalopathy, 31. Identifiers: Orphanet 2382, MedGen C4225357, MONDO:0014598, OMIM 616346.

gnomAD v4.1: 2 of 1,614,228 alleles (0.00012%); highest among the groups gnomAD compares: Non-Finnish European, 0.00017%; no homozygotes.

Submissions (2):

GeneDx
Classification: Likely pathogenic. Last evaluated: 2024-11-23. Review status: criteria provided, single submitter. Criteria: GeneDx Variant Classification Process June 2021. Collection method: clinical testing. Allele origin: germline. Affected: yes.
Comment: Identified in an individual with a neurodevelopmental disorder, however segregation and detailed clinical information were not provided (PMID: 33004838); Nonsense variant predicted to result in protein truncation or nonsense mediated decay in a gene for which loss of function is a known mechanism of disease; Not observed at significant frequency in large population cohorts (gnomAD); This variant is associated with the following publications: (PMID: 33004838, 34312540)

Labcorp Genetics (formerly Invitae), Labcorp
Classification: Likely benign for Developmental and epileptic encephalopathy, 31A. Last evaluated: 2021-02-25. Review status: criteria provided, single submitter. Criteria: Invitae Variant Classification Sherloc (09022015). Collection method: clinical testing. Allele origin: germline.